The following is an entry in ClinVar:

ClinVar aggregate classification (germline): Uncertain significance. Review status: criteria provided, multiple submitters, no conflicts (2 of 4 stars). 3 submissions from 3 submitters: Uncertain significance (3). Last evaluated 2025-01-19.

Conditions:
Hereditary cancer-predisposing syndrome. Also called: Hereditary neoplastic syndrome; Neoplastic Syndromes, Hereditary; Hereditary Cancer Syndrome; Tumor predisposition. Identifiers: Orphanet 140162, MedGen C0027672, MeSH D009386, MONDO:0015356.
Rhabdoid tumor predisposition syndrome 2 (RTPS2). Identifiers: Orphanet 231108, Orphanet 69077, MedGen C2750074, MONDO:0013224, OMIM 613325.

Submissions (3):

Ambry Genetics
Classification: Uncertain significance for Hereditary cancer-predisposing syndrome. Last evaluated: 2025-01-19. Review status: criteria provided, single submitter. Criteria: Ambry Variant Classification Scheme 2023. Collection method: clinical testing. Allele origin: germline.
Comment: The p.I1596M variant (also known as c.4788C>G), located in coding exon 33 of the SMARCA4 gene, results from a C to G substitution at nucleotide position 4788. The isoleucine at codon 1596 is replaced by methionine, an amino acid with highly similar properties. This amino acid position is conserved. In addition, this alteration is predicted to be tolerated by in silico analysis. Based on the available evidence, the clinical significance of this variant remains unclear.

GeneDx
Classification: Uncertain significance. Last evaluated: 2024-01-07. Review status: criteria provided, single submitter. Criteria: GeneDx Variant Classification Process June 2021. Collection method: clinical testing. Allele origin: germline. Affected: yes.
Comment: Not observed at significant frequency in large population cohorts (gnomAD); In silico analysis supports that this missense variant does not alter protein structure/function; Has not been previously published as pathogenic or benign to our knowledge; This variant is associated with the following publications: (PMID: 24658002)

Labcorp Genetics (formerly Invitae), Labcorp
Classification: Uncertain significance for Rhabdoid tumor predisposition syndrome 2. Last evaluated: 2022-09-10. Review status: criteria provided, single submitter. Criteria: Invitae Variant Classification Sherloc (09022015). Collection method: clinical testing. Allele origin: germline.
Comment: In summary, the available evidence is currently insufficient to determine the role of this variant in disease. Therefore, it has been classified as a Variant of Uncertain Significance. Advanced modeling of protein sequence and biophysical properties (such as structural, functional, and spatial information, amino acid conservation, physicochemical variation, residue mobility, and thermodynamic stability) performed at Invitae indicates that this missense variant is not expected to disrupt SMARCA4 protein function. This variant has not been reported in the literature in individuals affected with SMARCA4-related conditions. This variant is not present in population databases (gnomAD no frequency). This sequence change replaces isoleucine, which is neutral and non-polar, with methionine, which is neutral and non-polar, at codon 1596 of the SMARCA4 protein (p.Ile1596Met).

NM_003072.5(SMARCA4):c.4692C>G (p.Ile1564Met)

Gene: SMARCA4 (SWI/SNF related BAF chromatin remodeling complex subunit ATPase 4; plus strand). Cytogenetic location: 19p13.2.
Variant type: single nucleotide variant.
Coding change: c.4692C>G on transcript NM_003072.5 (MANE Select); coding-DNA position 4692, C replaced by G.
Protein change: p.Ile1564Met; replaces isoleucine 1564 with methionine.
Molecular consequence: missense variant. On other transcripts: non-coding transcript variant (1).
Genome position (GRCh38, 1-based): chr19:11,059,809, C>G. VCF-style: chr19-11059809-C-G. GRCh37 (hg19) VCF-style: chr19-11170485-C-G.
Other names: c.4692C>G, p.Ile1564Met (NM_001128844.3); c.4602C>G, p.Ile1534Met (NM_001128845.2); c.4599C>G, p.Ile1533Met (NM_001128846.2); c.4593C>G, p.Ile1531Met (NM_001128847.4, NM_001374457.1); c.4590C>G, p.Ile1530Met (NM_001128848.2); c.4788C>G, p.Ile1596Met (NM_001128849.3, NM_001387283.1); c.4689C>G, p.Ile1563Met (NM_001411150.1); c.4788C>G (NM_001128849.1); short protein forms I1530M, I1531M, I1533M, I1534M, I1563M, I1564M, I1596M.
Identifiers: ClinVar variation 1719242 (VCV001719242.7), dbSNP rs746415437, ClinGen allele CA404079385.